The following is an entry in ClinVar:

NM_000537.4(REN):c.165G>T (p.Arg55Ser)

Gene: REN (renin; minus strand). Cytogenetic location: 1q32.1.
Variant type: single nucleotide variant.
Coding change: c.165G>T on transcript NM_000537.4 (MANE Select); coding-DNA position 165, G replaced by T.
Protein change: p.Arg55Ser; replaces arginine 55 with serine.
Molecular consequence: missense variant.
Genome position (GRCh38, 1-based): chr1:204,162,097, C>A on the plus strand (G>T on the coding strand, the complement: REN is on the minus strand). VCF-style: chr1-204162097-C-A. GRCh37 (hg19) VCF-style: chr1-204131225-C-A.
Other names: short protein forms R55S.
Identifiers: ClinVar variation 1941194 (VCV001941194.5), dbSNP rs367565954, ClinGen allele CA1345045.

ClinVar aggregate classification (germline): Uncertain significance (1 of 4 stars; one submission).

Allele frequency attached by ClinVar (database versions not stated): gnomAD 0.00001.

Submission:

Labcorp Genetics (formerly Invitae), Labcorp
Classification: Uncertain significance. Last evaluated: 2022-07-11. Review status: criteria provided, single submitter. Criteria: Invitae Variant Classification Sherloc (09022015). Collection method: clinical testing. Allele origin: germline.
Comment: In summary, the available evidence is currently insufficient to determine the role of this variant in disease. Therefore, it has been classified as a Variant of Uncertain Significance. This sequence change replaces arginine, which is basic and polar, with serine, which is neutral and polar, at codon 55 of the REN protein (p.Arg55Ser). This variant is present in population databases (rs367565954, gnomAD 0.007%). This variant has not been reported in the literature in individuals affected with REN-related conditions. Algorithms developed to predict the effect of missense changes on protein structure and function (SIFT, PolyPhen-2, Align-GVGD) all suggest that this variant is likely to be tolerated.